The following is an entry in ClinVar:

ClinVar aggregate classification (germline): Conflicting classifications of pathogenicity. Review status: criteria provided, conflicting classifications (1 of 4 stars). 12 submissions from 12 submitters: Pathogenic (4); Likely pathogenic (4); Uncertain significance (3). 1 of the submissions does not count toward it. Last evaluated 2025-12-24.

Conditions:
Inborn genetic diseases. Identifiers: MedGen C0950123, MeSH D030342.
NDUFAF6-related disorder. Also called: NDUFAF6-related condition.
Mitochondrial complex I deficiency, nuclear type 17. Also called: Mitochondrial complex 1 deficiency, nuclear type 17. Identifiers: MedGen C4748786, MONDO:0032622, OMIM 618239.

Allele frequency attached by ClinVar (database versions not stated): gnomAD 0.00003 and 0.00004; ExAC 0.00017; ESP Exome Variant Server 0.00017; TOPMed 0.00008; gnomAD exomes 0.00011.
gnomAD v4.1: 160 of 1,613,410 alleles (0.0099%); highest among the groups gnomAD compares: Middle Eastern, 0.016%; no homozygotes.

Submissions (12):

Variantyx, Inc.
Classification: Likely pathogenic for Mitochondrial complex I deficiency, nuclear type 17. Last evaluated: 2025-12-24. Review status: criteria provided, single submitter. Criteria: Variantyx Assertion Criteria 2022. Collection method: clinical testing. Allele origin: germline. Inheritance: Autosomal recessive inheritance. Affected: no.
Comment: This is a nonsynonymous variant in the NDUFAF6 gene (OMIM: 612392). Pathogenic variants in this gene have been associated with autosomal recessive mitochondrial complex I deficiency nuclear type 17. This variant has been identified in the homozygous or compound heterozygous state in at least 4 individuals reported in the published literature (PMID: 29531337, 27623250) (PM3_Strong). Functional studies have shown that this variant alters NDUFAF6 protein function (PMID: 29531337) (PS3), and multiple computational algorithms predict a deleterious effect for this variant (REVEL score: 0.73) (PP3). This variant has a 0.0119% maximum allele frequency in non-founder control populations (PM2). Based on the current evidence, this variant is classified as likely pathogenic for autosomal recessive mitochondrial complex I deficiency nuclear type 17.

Labcorp Genetics (formerly Invitae), Labcorp
Classification: Pathogenic. Last evaluated: 2025-08-18. Review status: criteria provided, single submitter. Criteria: Invitae Variant Classification Sherloc (09022015). Collection method: clinical testing. Allele origin: germline.
Comment: This sequence change replaces alanine, which is neutral and non-polar, with proline, which is neutral and non-polar, at codon 178 of the NDUFAF6 protein (p.Ala178Pro). This variant is present in population databases (rs201088736, gnomAD 0.02%). This missense change has been observed in individual(s) with clinical features of complex 1 deficiency and/or complex 1 deficiency (PMID: 29531337). In at least one individual the data is consistent with being in trans (on the opposite chromosome) from a pathogenic variant. It has also been observed to segregate with disease in related individuals. ClinVar contains an entry for this variant (Variation ID: 372254). Invitae Evidence Modeling of protein sequence and biophysical properties (such as structural, functional, and spatial information, amino acid conservation, physicochemical variation, residue mobility, and thermodynamic stability) indicates that this missense variant is expected to disrupt NDUFAF6 protein function with a positive predictive value of 80%. For these reasons, this variant has been classified as Pathogenic.

GeneDx
Classification: Uncertain significance. Last evaluated: 2024-11-04. Review status: criteria provided, single submitter. Criteria: GeneDx Variant Classification Process June 2021. Collection method: clinical testing. Allele origin: germline. Affected: yes.
Comment: In silico analysis supports that this missense variant has a deleterious effect on protein structure/function; This variant is associated with the following publications: (PMID: 34426522, 31589614, 27623250, 33097395, 29531337)

Revvity Omics, Revvity
Classification: Likely pathogenic. Last evaluated: 2024-10-16. Review status: criteria provided, single submitter. Criteria: ACMG Guidelines, 2015. Collection method: clinical testing. Allele origin: germline.

Women's Health and Genetics/Laboratory Corporation of America, LabCorp
Classification: Pathogenic for Mitochondrial complex I deficiency, nuclear type 17. Last evaluated: 2024-03-01. Review status: criteria provided, single submitter. Criteria: LabCorp Variant Classification Summary - May 2015. Collection method: clinical testing. Allele origin: germline.
Comment: Variant summary: C8orf38 c.532G>C (p.Ala178Pro) results in a non-conservative amino acid change in the encoded protein sequence. Four of five in-silico tools predict a damaging effect of the variant on protein function. The variant allele was found at a frequency of 0.0001 in 280728 control chromosomes. c.532G>C has been reported in the literature in trans along with a pathogenic intronic variant in multiple individuals affected with Leigh syndrome (example, Bianciardi_2016, Catania_2018). These data indicate that the variant is very likely to be associated with disease. At least one publication reports experimental evidence evaluating an impact on protein function. The most pronounced variant effect results in significantly reduced normal complex I activity in patients fibroblasts, which was rescued by normal C8ORF38 (Bianciardi_2016). The following publications have been ascertained in the context of this evaluation (PMID: 27623250, 29531337). ClinVar contains an entry for this variant (Variation ID: 372254). Based on the evidence outlined above, the variant was classified as pathogenic.

Blueprint Genetics
Classification: Pathogenic for NDUFAF6-related disorders. Last evaluated: 2024-02-09. Review status: criteria provided, single submitter. Criteria: ACMG Guidelines, 2015. Collection method: clinical testing. Allele origin: germline. Affected: yes. Observed: 5 variant alleles.

3billion
Classification: Likely pathogenic for Mitochondrial complex I deficiency, nuclear type 17. Last evaluated: 2023-10-17. Review status: criteria provided, single submitter. Criteria: ACMG Guidelines, 2015. Collection method: clinical testing. Allele origin: germline. Affected: yes.
Comment: The variant is observed at an extremely low frequency in the gnomAD v2.1.1 dataset (total allele frequency: 0.010%). Predicted Consequence/Location: Missense variant In silico tool predictions suggest damaging effect of the variant on gene or gene product [REVEL: 0.73 (>=0.6, sensitivity 0.68 and specificity 0.92); 3Cnet: 0.72 (>=0.6, sensitivity 0.72 and precision 0.9)]. Same nucleotide change resulting in same amino acid change has been previously reported as pathogenic/likely pathogenic with strong evidence (ClinVar ID: VCV000372254 /PMID: 27623250). The variant has been reported to be in trans with a pathogenic variant as either compound heterozygous or homozygous in at least one similarly affected unrelated individual (PMID: 29531337). Therefore, this variant is classified as Likely pathogenic according to the recommendation of ACMG/AMP guideline.

Ambry Genetics
Classification: Uncertain significance for Inborn genetic diseases. Last evaluated: 2022-11-14. Review status: criteria provided, single submitter. Criteria: Ambry Variant Classification Scheme 2023. Collection method: clinical testing. Allele origin: germline.

Victorian Clinical Genetics Services, Murdoch Childrens Research Institute
Classification: Likely pathogenic for Mitochondrial complex I deficiency, nuclear type 17. Last evaluated: 2021-05-06. Review status: criteria provided, single submitter. Criteria: ACMG Guidelines, 2015. Collection method: clinical testing. Allele origin: germline. Inheritance: Autosomal recessive inheritance. Affected: yes.
Comment: Based on the classification scheme VCGS_Germline_v1.3.4, this variant is classified as Likely Pathogenic. Following criteria are met: 0102 - Loss of function is a known mechanism of disease in this gene and is associated with Mitochondrial complex I deficiency, nuclear type 17 (MIM#618239). (I) 0106 - This gene is associated with autosomal recessive disease. (I) 0200 - Variant is predicted to result in a missense amino acid change from alanine to proline. (I) 0251 - This variant is heterozygous. (I) 0304 - Variant is present in gnomAD <0.01 for a recessive condition (v2: 29 heterozygotes, 0 homozygotes). (SP) 0501 - Missense variant consistently predicted to be damaging by multiple in silico tools or highly conserved with a major amino acid change. (SP) 0600 - Variant is located in the annotated SQS_PSY domain (PDB, DECIPHER, NCBI). (I) 0705 - No comparable missense variants have previous evidence for pathogenicity. (I) 0802 - This variant has moderate previous evidence of pathogenicity in unrelated individuals. Three unrelated probands with Leigh syndrome have been reported to be compound heterozygotes with this variant (PMID: 29531337). (SP) 0903 - This variant has insufficient evidence for segregation with disease. A single family with two affected siblings has been reported (PMID: 29531337). (I) 1007 - No published functional evidence has been identified for this variant. (I) 1208 - Inheritance information for this variant is not currently available in this individual. (I) Legend: (SP) - Supporting pathogenic, (I) - Information, (SB) - Supporting benign

Laboratorio de Genetica e Diagnostico Molecular, Hospital Israelita Albert Einstein
Classification: Uncertain significance. Last evaluated: 2019-03-12. Review status: criteria provided, single submitter. Criteria: ACMG Guidelines, 2015. Collection method: clinical testing. Allele origin: germline. Affected: yes.
Comment: ACMG classification criteria: PM2, PP3, PP5

Neuberg Centre For Genomic Medicine, NCGM
Classification: Pathogenic for Mitochondrial complex I deficiency, nuclear type 17. Review status: criteria provided, single submitter. Criteria: ACMG Guidelines, 2015. Collection method: clinical testing. Allele origin: germline. Affected: yes.
Comment: The missense variant p.A178P in NDUFAF6 (NM_152416.4) has been reported in an affected patient in compound heterozygous state with a deep intronic variant (Bianciardi L et al).Functional studies revealed a damaging effect. The variant has been submitted to ClinVar as Pathogenic. The p.A178P missense variant is predicted to be damaging by both SIFT and PolyPhen2. The nucleotide c.532 in NDUFAF6 is predicted conserved by GERP++ and PhyloP across 100 vertebrates. For these reasons, this variant has been classified as Pathogenic

OMIM
Classification: Pathogenic for MITOCHONDRIAL COMPLEX I DEFICIENCY, NUCLEAR TYPE 17. Last evaluated: 2020-06-23. Review status: no assertion criteria provided. Collection method: literature only. Allele origin: germline. Not counted in ClinVar's aggregate classification.

Literature cited by the submitters: PubMed 29531337 (cited by 7 submitters); PubMed 27623250 (cited by 4 submitters).

NM_152416.4(NDUFAF6):c.532G>C (p.Ala178Pro)

Gene: NDUFAF6 (NADH:ubiquinone oxidoreductase complex assembly factor 6; plus strand). Cytogenetic location: 8q22.1.
Variant type: single nucleotide variant.
Coding change: c.532G>C on transcript NM_152416.4 (MANE Select); coding-DNA position 532, G replaced by C.
Protein change: p.Ala178Pro; replaces alanine 178 with proline.
Molecular consequence: missense variant. On other transcripts: non-coding transcript variant (6).
Genome position (GRCh38, 1-based): chr8:95,045,599, G>C. VCF-style: chr8-95045599-G-C. GRCh37 (hg19) VCF-style: chr8-96057827-G-C.
Other names: NDUFAF6, ALA178PRO (rs201088736); c.256G>C, p.Ala86Pro (NM_001330582.2, NM_001354514.2, NM_001354515.2 and 1 more transcripts); c.376G>C, p.Ala126Pro (NM_001354516.2); c.199G>C, p.Ala67Pro (NM_001354517.2, NM_001354518.2, NM_001354519.2 and 1 more transcripts); c.76G>C, p.Ala26Pro (NM_001354522.2, NM_001354524.2, NM_001354525.2 and 7 more transcripts); short protein forms A178P, A126P, A67P, A86P, A26P.
Identifiers: ClinVar variation 372254 (VCV000372254.23), dbSNP rs201088736, ClinGen allele CA4814833.